The following is an entry in ClinVar:

ClinVar aggregate classification (germline): Pathogenic (1 of 4 stars; one submission).

Submission:

Labcorp Genetics (formerly Invitae), Labcorp
Classification: Pathogenic. Last evaluated: 2023-05-23. Review status: criteria provided, single submitter. Criteria: Invitae Variant Classification Sherloc (09022015). Collection method: clinical testing. Allele origin: germline.
Comment: This variant is not present in population databases (gnomAD no frequency). For these reasons, this variant has been classified as Pathogenic. This variant has not been reported in the literature in individuals affected with CDAN1-related conditions. This sequence change creates a premature translational stop signal (p.Cys937Lysfs*21) in the CDAN1 gene. It is expected to result in an absent or disrupted protein product. Loss-of-function variants in CDAN1 are known to be pathogenic (PMID: 16098079, 16141353).

Literature cited by the submitters: PubMed 16098079; PubMed 16141353.

NM_138477.4(CDAN1):c.2809_2812del (p.Cys937fs)

Gene: CDAN1 (codanin 1; minus strand). Cytogenetic location: 15q15.2.
Variant type: Deletion.
Coding change: c.2809_2812del on transcript NM_138477.4 (MANE Select); coding-DNA positions 2809 to 2812, 4 bases deleted (TGTC; older notation c.2809_2812delTGTC).
Protein change: p.Cys937fs; shifts the reading frame from cysteine 937.
Molecular consequence: frameshift variant.
Genome position (GRCh38, 1-based): chr15:42,728,260-42,728,263, GACA deleted on the plus strand (TGTC on the coding strand, the reverse complement: CDAN1 is on the minus strand); deleting any 4 consecutive bases within chr15:42,728,260-42,728,265 gives the same sequence; the c. name uses the placement nearest the transcript's 3' end. VCF-style (leftmost placement, unchanged base first): chr15-42728259-TGACA-T. GRCh37 (hg19) VCF-style: chr15-43020457-TGACA-T.
Other names: short protein forms C937fs.
Identifiers: ClinVar variation 2864514 (VCV002864514.3), dbSNP rs2506082363, ClinGen allele CA2739279904.
Genomic context (GRCh38, chr15:42,728,259, plus strand): 5'-CGTACGGCTGCCGGGGTCTCCTCTGGAAGCAGCGCCCGCACAGCCCCAGGGCTCTTCCTT[TGACA>T]GAACCTAAAAGGGGACAGATGGGGTCAGTGATCTCTGGGTATTTCAGCCTGGCTGCAGAA-3'